The following is an entry in ClinVar:

NM_006231.4(POLE):c.4763A>T (p.Gln1588Leu)

Gene: POLE (DNA polymerase epsilon, catalytic subunit; minus strand). Cytogenetic location: 12q24.33.
Variant type: single nucleotide variant.
Coding change: c.4763A>T on transcript NM_006231.4 (MANE Select); coding-DNA position 4763, A replaced by T.
Protein change: p.Gln1588Leu; replaces glutamine 1588 with leucine.
Molecular consequence: missense variant.
Genome position (GRCh38, 1-based): chr12:132,642,695, T>A on the plus strand (A>T on the coding strand, the complement: POLE is on the minus strand). VCF-style: chr12-132642695-T-A. GRCh37 (hg19) VCF-style: chr12-133219281-T-A.
Other names: short protein forms Q1588L.
Identifiers: ClinVar variation 1001277 (VCV001001277.8), dbSNP rs756977639, ClinGen allele CA387378475.

ClinVar aggregate classification (germline): Uncertain significance (1 of 4 stars; one submission).

Submission:

Labcorp Genetics (formerly Invitae), Labcorp
Classification: Uncertain significance. Last evaluated: 2020-06-20. Review status: criteria provided, single submitter. Criteria: Invitae Variant Classification Sherloc (09022015). Collection method: clinical testing. Allele origin: germline.
Comment: This variant has not been reported in the literature in individuals with POLE-related conditions. Algorithms developed to predict the effect of missense changes on protein structure and function are either unavailable or do not agree on the potential impact of this missense change (SIFT: "Tolerated"; PolyPhen-2: "Possibly Damaging"; Align-GVGD: "Class C0"). In summary, the available evidence is currently insufficient to determine the role of this variant in disease. Therefore, it has been classified as a Variant of Uncertain Significance. This variant is not present in population databases (ExAC no frequency). This sequence change replaces glutamine with leucine at codon 1588 of the POLE protein (p.Gln1588Leu). The glutamine residue is highly conserved and there is a moderate physicochemical difference between glutamine and leucine.